The following is an entry in ClinVar:

NM_000094.4(COL7A1):c.7465G>T (p.Glu2489Ter)

Gene: COL7A1 (collagen type VII alpha 1 chain; minus strand). Cytogenetic location: 3p21.31.
Variant type: single nucleotide variant.
Coding change: c.7465G>T on transcript NM_000094.4 (MANE Select); coding-DNA position 7465, G replaced by T.
Protein change: p.Glu2489Ter; replaces glutamic acid 2489 with a stop codon.
Molecular consequence: nonsense.
Genome position (GRCh38, 1-based): chr3:48,570,154, C>A on the plus strand (G>T on the coding strand, the complement: COL7A1 is on the minus strand). VCF-style: chr3-48570154-C-A. GRCh37 (hg19) VCF-style: chr3-48607587-C-A.
Other names: short protein forms E2489*.
Identifiers: ClinVar variation 2069312 (VCV002069312.4), dbSNP rs2530856263, ClinGen allele CA352645720.
Genomic context (GRCh38, chr3:48,570,154, plus strand): 5'-CTGAAGTCACAGCACTGTCACTTTCCCCAGCGGGACCCACCGTGAGTCCTCGGGGTCCCT[C>A]CTGGCCGGGGCGGCCATCTTCACCCTGGATGGTGACATTAGGTTCATTGACTCAGAGGTT-3'

ClinVar aggregate classification (germline): Pathogenic (1 of 4 stars; one submission).

Submission:

Labcorp Genetics (formerly Invitae), Labcorp
Classification: Pathogenic. Last evaluated: 2022-01-01. Review status: criteria provided, single submitter. Criteria: Invitae Variant Classification Sherloc (09022015). Collection method: clinical testing. Allele origin: germline.
Comment: For these reasons, this variant has been classified as Pathogenic. Algorithms developed to predict the effect of sequence changes on RNA splicing suggest that this variant may create or strengthen a splice site. This variant has not been reported in the literature in individuals affected with COL7A1-related conditions. This variant is not present in population databases (gnomAD no frequency). This sequence change creates a premature translational stop signal (p.Glu2489*) in the COL7A1 gene. It is expected to result in an absent or disrupted protein product. Loss-of-function variants in COL7A1 are known to be pathogenic (PMID: 16971478).

Literature cited by the submitters: PubMed 16971478.